The following is an entry in ClinVar:

NM_001256071.3(RNF213):c.11482T>A (p.Phe3828Ile)

Genes: RNF213 (ring finger protein 213; plus strand), RNF213-AS1 (RNF213 antisense RNA 1; minus strand). Cytogenetic location: 17q25.3.
Variant type: single nucleotide variant.
Coding change: c.11482T>A on transcript NM_001256071.3 (MANE Select); coding-DNA position 11482, T replaced by A.
Protein change: p.Phe3828Ile; replaces phenylalanine 3828 with isoleucine.
Molecular consequence: missense variant.
Genome position (GRCh38, 1-based): chr17:80,363,228, T>A. VCF-style: chr17-80363228-T-A. GRCh37 (hg19) VCF-style: chr17-78337028-T-A.
Other names: c.11629T>A, p.Phe3877Ile (NM_001410195.1, NM_020914.5); short protein forms F3828I, F3877I.
Identifiers: ClinVar variation 3032506 (VCV003032506.2), dbSNP rs2511466157, ClinGen allele CA401407863.
Genomic context (GRCh38, chr17:80,363,228, plus strand): 5'-GAGGTTTCCTTACCGTGGGTGCACCTTGCCTACCAGCGTTTCAGAAGCCGTCTGCAGAAC[T>A]TTTCCAGAATCCTGACCATCTACCCTCAGGTTCTCCACAGCCTGATGGAAGCCCGTTGGA-3'
Protein context (NP_001243000.2, residues 3818-3838): YQRFRSRLQN[Phe3828Ile]SRILTIYPQV

ClinVar aggregate classification (germline): Uncertain significance (0 of 4 stars; one submission).

Conditions:
RNF213-related disorder. Also called: RNF213-related condition.

Submission:

PreventionGenetics, part of Exact Sciences
Classification: Uncertain significance for RNF213-related condition. Last evaluated: 2023-12-27. Review status: no assertion criteria provided. Collection method: clinical testing. Allele origin: germline.
Comment: The RNF213 c.11482T>A variant is predicted to result in the amino acid substitution p.Phe3828Ile. To our knowledge, this variant has not been reported in the literature or in a large population database, indicating this variant is rare. At this time, the clinical significance of this variant is uncertain due to the absence of conclusive functional and genetic evidence.